The following is an entry in ClinVar:

NM_177987.3(TUBB8):c.292G>A (p.Gly98Arg)

Gene: TUBB8 (tubulin beta 8 class VIII; minus strand). Cytogenetic location: 10p15.3.
Variant type: single nucleotide variant.
Coding change: c.292G>A on transcript NM_177987.3 (MANE Select); coding-DNA position 292, G replaced by A.
Protein change: p.Gly98Arg; replaces glycine 98 with arginine.
Molecular consequence: missense variant.
Genome position (GRCh38, 1-based): chr10:48,100, C>T on the plus strand (G>A on the coding strand, the complement: TUBB8 is on the minus strand). VCF-style: chr10-48100-C-T. GRCh37 (hg19) VCF-style: chr10-94040-C-T.
Other names: short protein forms G98R.
Identifiers: ClinVar variation 977669 (VCV000977669.2), dbSNP rs1339474843, ClinGen allele CA375819075.
Genomic context (GRCh38, chr10:48,100, plus strand): 5'-CCATCACTGACTCCATCAGCTCCGCGCCTTCGGTGTAGTGTCCCTTGGCCCAGTTGTTTC[C>T]GGCCCCACACTGACCTGTAAGACAGCACAGCCGGTCACTCGACGGCCAGGTATACGGTCA-3'
Protein context (NP_817124.1, residues 88-108): DNFIFGQCGA[Gly98Arg]NNWAKGHYTE

ClinVar aggregate classification (germline): Likely pathogenic. Review status: criteria provided, single submitter (1 of 4 stars). 2 submissions from 2 submitters: Likely pathogenic (1). 1 of the submissions does not count toward it.

Conditions:
Oocyte maturation defect 2 (OZEMA2). Also called: OOCYTE/ZYGOTE/EMBRYO MATURATION ARREST 2. Identifiers: MedGen C4225210, MONDO:0021573, OMIM 616780.

Allele frequency attached by ClinVar (database versions not stated): TOPMed below 0.00001; gnomAD 0.00001.

Submissions (2):

Juno Genomics, Hangzhou Juno Genomics, Inc
Classification: Likely pathogenic for Oocyte maturation defect 2. Review status: criteria provided, single submitter. Criteria: ACMG Guidelines, 2015. Collection method: clinical testing. Allele origin: germline. Affected: yes.
Comment: Absent from controls (or at extremely low frequency if recessive) in Genome Aggregation Database, Exome Sequencing Project, 1000 Genomes Project, or Exome Aggregation Consortium.;Missense variant in a gene that has a low rate of benign missense variation and where missense variants are a common mechanism of disease.;Assumed de novo, but without confirmation of paternity and maternity.;Patient's phenotype or family history is highly specific for a disease with a single genetic etiology.;The prevalence of the variant in affected individuals is significantly increased compared to the prevalence in controls.

Center for Reproductive Medicine, Shandong Provincial Hospital Affiliated to Shandong University
Classification: Likely pathogenic for Oocyte maturation defect 2. Last evaluated: 2020-08-31. Review status: no assertion criteria provided. Collection method: case-control. Allele origin: unknown. Affected: yes. Not counted in ClinVar's aggregate classification.